The following is an entry in ClinVar:

NM_000284.4(PDHA1):c.584G>C (p.Gly195Ala)

Gene: PDHA1 (pyruvate dehydrogenase E1 subunit alpha 1; plus strand). Cytogenetic location: Xp22.12.
Variant type: single nucleotide variant.
Coding change: c.584G>C on transcript NM_000284.4 (MANE Select); coding-DNA position 584, G replaced by C.
Protein change: p.Gly195Ala; replaces glycine 195 with alanine.
Molecular consequence: missense variant. On other transcripts: intron variant (1).
Genome position (GRCh38, 1-based): chrX:19,354,564, G>C. VCF-style: chrX-19354564-G-C. GRCh37 (hg19) VCF-style: chrX-19372682-G-C.
Other names: c.698G>C, p.Gly233Ala (NM_001173454.2); c.605G>C, p.Gly202Ala (NM_001173455.2); c.511-785G>C (NM_001173456.2); short protein forms G195A, G202A, G233A.
Identifiers: ClinVar variation 4070505 (VCV004070505.1).
Genomic context (GRCh38, chrX:19,354,564, plus strand): 5'-CTGGGATTGCTCTAGCCTGTAAGTATAATGGAAAAGATGAGGTCTGCCTGACTTTATATG[G>C]CGATGGTGCTGCTAACCAGGTAATTATGTCTCTTAACTTCCCAAAAACAGTCTTATTTTC-3'
Protein context (NP_000275.1, residues 185-205): GKDEVCLTLY[Gly195Ala]DGAANQGQIF

ClinVar aggregate classification (germline): Pathogenic (0 of 4 stars; one submission).

Conditions:
Pyruvate dehydrogenase E1-alpha deficiency (PDHAD). Also called: ATAXIA, INTERMITTENT, WITH PYRUVATE DEHYDROGENASE DEFICIENCY; ATAXIA WITH LACTIC ACIDOSIS I; ATAXIA, INTERMITTENT, WITH ABNORMAL PYRUVATE METABOLISM; Ataxia, intermittent, with pyruvate dehydrogenase, or decarboxylase, deficiency. Identifiers: Orphanet 79243, MedGen C1839413, MONDO:0010717, OMIM 312170.

Submission:

PDHA1 Study Group, University Children’s Hospital, Paracelsus Medical University
Classification: Pathogenic for Pyruvate dehydrogenase E1-alpha deficiency. Last evaluated: 2024-10-15. Review status: no assertion criteria provided. Collection method: research. Allele origin: de novo. Affected: yes. Observed: 2 variant alleles.
Comment: The NM_000284.3:c.584G>C (p.Gly195Ala) substitution is a missense variant in PDHA1 gene. In total, 2 individuals were diagnosed with PDHA1-related Pyruvate dehydrogenase complex (PDHc) deficiency (MIM #312170). Among them, 2 cases had confirmed de novo occurrence. The variant has been reported in 2 published cases (PMIDs: 15384102, 18504677). Last literature search: July 12, 2024. This variant is absent or extremely rare in population-based cohorts in the Genome Aggregation Database (gnomAD). Individuals harboring this variant presented with clinical features compatible with PDHA1-related PDHc deficiency. In summary, this variant meets criteria to be classified as pathogenic (P) for PDHA1-related PDHc deficiency based on the ACMG/AMP criteria applied: PS2, PS3, PM2, PM7, PP3 (last assessment October 15, 2024).

Literature cited by the submitters: PubMed 15384102; PubMed 18504677; DOI 10.1093/brain/awaf430.